The following is an entry in ClinVar:

ClinVar aggregate classification (germline): Benign (0 of 4 stars; one submission).

Conditions:
MUC16-related disorder. Also called: MUC16-related condition.

Allele frequency attached by ClinVar (database versions not stated): ExAC 0.00041; gnomAD exomes 0.01999; 1000 Genomes Project 30x 0.39959.

Submission:

PreventionGenetics, part of Exact Sciences
Classification: Benign for MUC16-related condition. Last evaluated: 2019-02-19. Review status: no assertion criteria provided. Collection method: clinical testing. Allele origin: germline.
Comment: This variant is classified as benign based on ACMG/AMP sequence variant interpretation guidelines (Richards et al. 2015 PMID: 25741868, with internal and published modifications).

NM_001401501.2(MUC16):c.39334T>A (p.Leu13112Met)

Gene: MUC16 (mucin 16, cell surface associated; minus strand). Cytogenetic location: 19p13.2.
Variant type: single nucleotide variant.
Coding change: c.39334T>A on transcript NM_001401501.2 (MANE Select); coding-DNA position 39334, T replaced by A.
Protein change: p.Leu13112Met; replaces leucine 13112 with methionine.
Molecular consequence: missense variant.
Genome position (GRCh38, 1-based): chr19:8,898,649, A>T on the plus strand (T>A on the coding strand, the complement: MUC16 is on the minus strand). VCF-style: chr19-8898649-A-T. GRCh37 (hg19) VCF-style: chr19-9009325-A-T.
Other names: c.39760T>A, p.Leu13254Met (NM_001414686.1); c.39214T>A, p.Leu13072Met (NM_001414687.1); c.39148T>A, p.Leu13050Met (NM_024690.2); short protein forms L13050M, L13072M, L13112M, L13254M.
Identifiers: ClinVar variation 3038283 (VCV003038283.2), dbSNP rs750295511, ClinGen allele CA9164172.
Genomic context (GRCh38, chr19:8,898,649, plus strand): 5'-ACCTGAGAGAGATCAGTCTGCAGCCAGAGTACAGAGGGCCGACACTGGAGTTCTTGAACA[A>T]GGGACCAAGCTGTGGAAAAGGGACAGAGAGATGAGTAGGAGGGCTAAGGTCCCTGTGTGT-3'
Protein context (NP_001388430.1, residues 13102-13122): ERVLQGLLGP[Leu13112Met]FKNSSVGPLY